The following is an entry in ClinVar:

ClinVar aggregate classification (germline): Conflicting classifications of pathogenicity. Review status: criteria provided, conflicting classifications (1 of 4 stars). 6 submissions from 6 submitters: Uncertain significance (2); Benign (2); Likely benign (1). 1 of the submissions does not count toward it. Last evaluated 2026-01-27.

Conditions:
A2ML1-related disorder. Also called: A2ML1-related condition.

Allele frequency attached by ClinVar (database versions not stated): gnomAD exomes 0.00005 and 0.00011; ExAC 0.00014; gnomAD 0.00042 and 0.00051; ESP Exome Variant Server 0.00043; TOPMed 0.00056.

Submissions (6):

Labcorp Genetics (formerly Invitae), Labcorp
Classification: Likely benign. Last evaluated: 2026-01-27. Review status: criteria provided, single submitter. Criteria: Invitae Variant Classification Sherloc (09022015). Collection method: clinical testing. Allele origin: germline.

Women's Health and Genetics/Laboratory Corporation of America, LabCorp
Classification: Benign. Last evaluated: 2021-06-28. Review status: criteria provided, single submitter. Criteria: LabCorp Variant Classification Summary - May 2015. Collection method: clinical testing. Allele origin: germline.
Comment: Variant summary: A2ML1 c.174_175dupCA (p.Lys59ThrfsX9) results in a premature termination codon, predicted to cause a truncation of the encoded protein or absence of the protein due to nonsense mediated decay, which are commonly known mechanisms for disease. Truncations downstream of this position have been classified as pathogenic by our laboratory. The variant allele was found at a frequency of 0.00011 in 249560 control chromosomes, predominantly at a frequency of 0.0018 within the African or African-American subpopulation in the gnomAD database. The observed variant frequency within African or African-American control individuals in the gnomAD database is approximately 450 fold of the estimated maximal expected allele frequency for a pathogenic variant in A2ML1 causing Noonan Syndrome phenotype (4e-06), strongly suggesting that the variant is a benign polymorphism found primarily in populations of African or African-American origin. To our knowledge, no occurrence of c.174_175dupCA in individuals affected with Noonan Syndrome and no experimental evidence demonstrating its impact on protein function have been reported. Two clinical diagnostic laboratories have submitted clinical-significance assessments for this variant to ClinVar after 2014 without evidence for independent evaluation. One laboratory classified the variant as likely benign, and one laboratory classified the variant as uncertain significance. Based on the evidence outlined above, the variant was classified as benign.

Revvity Omics, Revvity
Classification: Uncertain significance. Last evaluated: 2020-06-12. Review status: criteria provided, single submitter. Criteria: ACMG Guidelines, 2015. Collection method: clinical testing. Allele origin: germline.

GeneDx
Classification: Benign. Last evaluated: 2019-07-01. Review status: criteria provided, single submitter. Criteria: GeneDx Variant Classification Process June 2021. Collection method: clinical testing. Allele origin: germline. Affected: yes.

Eurofins Ntd Llc (ga)
Classification: Uncertain significance. Last evaluated: 2015-12-08. Review status: criteria provided, single submitter. Criteria: EGL Classification Definitions. Collection method: clinical testing. Allele origin: germline.

PreventionGenetics, part of Exact Sciences
Classification: Likely benign for A2ML1-related condition. Last evaluated: 2022-03-10. Review status: no assertion criteria provided. Collection method: clinical testing. Allele origin: germline. Not counted in ClinVar's aggregate classification.
Comment: This variant is classified as likely benign based on ACMG/AMP sequence variant interpretation guidelines (Richards et al. 2015 PMID: 25741868, with internal and published modifications).

NM_144670.6(A2ML1):c.174_175dup (p.Lys59fs)

Genes: A2ML1 (alpha-2-macroglobulin like 1; plus strand), A2ML1-AS1 (A2ML1 antisense RNA 1; minus strand). Cytogenetic location: 12p13.31.
Variant type: Duplication.
Coding change: c.174_175dup on transcript NM_144670.6 (MANE Select); coding-DNA positions 174 to 175, 2 bases duplicated (CA; older notation c.174_175dupCA).
Protein change: p.Lys59fs; shifts the reading frame from lysine 59.
Molecular consequence: frameshift variant.
Genome position (GRCh38, 1-based): chr12:8,823,293-8,823,294, CA duplicated. VCF-style (leftmost placement, unchanged base first): chr12-8823292-C-CCA. GRCh37 (hg19) VCF-style: chr12-8975888-C-CCA.
Other names: c.174_175dup (NM_144670.4); short protein forms K59fs.
Identifiers: ClinVar variation 284739 (VCV000284739.24), dbSNP rs745711489, ClinGen allele CA6435185.
Genomic context (GRCh38, chr12:8,823,292, plus strand): 5'-AGGTTTGTTTGGACCTGAGCCCTGGGTACAGTGATGTTAAATTCACGGTTACTCTGGAGA[C>CCA]CAAGGACAAGACCCAGAAGTTGCTAGAATACTCTGGACTGAAGAAGAGGCACTTACATTG-3'